The following is an entry in ClinVar:

ClinVar aggregate classification (germline): Likely pathogenic (1 of 4 stars; one submission).

gnomAD v4.1: 1 of 1,614,122 alleles (0.000062%); highest among the groups gnomAD compares: Non-Finnish European, 0.000085%; no homozygotes.

Submission:

Labcorp Genetics (formerly Invitae), Labcorp
Classification: Likely pathogenic. Last evaluated: 2025-12-26. Review status: criteria provided, single submitter. Criteria: Invitae Variant Classification Sherloc (09022015). Collection method: clinical testing. Allele origin: germline.
Comment: This sequence change affects an acceptor splice site in intron 6 of the CNGA3 gene. It is expected to disrupt RNA splicing. Variants that disrupt the donor or acceptor splice site typically lead to a loss of protein function (PMID: 16199547), and loss-of-function variants in CNGA3 are known to be pathogenic (PMID: 14757870, 24903488, 25637600). This variant is not present in population databases (gnomAD no frequency). This variant has not been reported in the literature in individuals affected with CNGA3-related conditions. Algorithms developed to predict the effect of sequence changes on RNA splicing suggest that this variant may disrupt the consensus splice site. In summary, the currently available evidence indicates that the variant is pathogenic, but additional data are needed to prove that conclusively. Therefore, this variant has been classified as Likely Pathogenic.

Literature cited by the submitters: PubMed 16199547; PubMed 14757870; PubMed 24903488; PubMed 25637600.

NM_001298.3(CNGA3):c.567-1G>A

Gene: CNGA3 (cyclic nucleotide gated channel subunit alpha 3; plus strand). Cytogenetic location: 2q11.2.
Variant type: single nucleotide variant.
Coding change: c.567-1G>A on transcript NM_001298.3 (MANE Select); the canonical splice acceptor site of the intron before coding-DNA position 567, G replaced by A.
Molecular consequence: splice acceptor variant.
Genome position (GRCh38, 1-based): chr2:98,391,863, G>A. VCF-style: chr2-98391863-G-A. GRCh37 (hg19) VCF-style: chr2-99008326-G-A.
Other names: c.513-1G>A (NM_001079878.2).
Identifiers: ClinVar variation 4734199 (VCV004734199.1).